The following is an entry in ClinVar:

ClinVar aggregate classification (germline): Pathogenic (1 of 4 stars; one submission).

Conditions:
Methylcobalamin deficiency type cblE (HMAE). Also called: HOMOCYSTINURIA-MEGALOBLASTIC ANEMIA, cblE COMPLEMENTATION TYPE; VITAMIN B12-RESPONSIVE HOMOCYSTINURIA, cblE TYPE; HOMOCYSTINURIA-MEGALOBLASTIC ANEMIA, cblE TYPE. Identifiers: Orphanet 2169, Orphanet 622, MedGen C1856057, MONDO:0009354, OMIM 236270.

Submission:

Labcorp Genetics (formerly Invitae), Labcorp
Classification: Pathogenic for Methylcobalamin deficiency type cblE. Last evaluated: 2021-04-06. Review status: criteria provided, single submitter. Criteria: Invitae Variant Classification Sherloc (09022015). Collection method: clinical testing. Allele origin: germline.
Comment: For these reasons, this variant has been classified as Pathogenic. This variant has not been reported in the literature in individuals with MTRR-related conditions. This variant is not present in population databases (ExAC no frequency). This sequence change creates a premature translational stop signal (p.Leu576Phefs*27) in the MTRR gene. It is expected to result in an absent or disrupted protein product. Loss-of-function variants in MTRR are known to be pathogenic (PMID: 15714522).

Literature cited by the submitters: PubMed 15714522.

NM_002454.3(MTRR):c.1728del (p.Leu576fs)

Gene: MTRR (5-methyltetrahydrofolate-homocysteine methyltransferase reductase; plus strand). Cytogenetic location: 5p15.31.
Variant type: Deletion.
Coding change: c.1728del on transcript NM_002454.3 (MANE Select); coding-DNA position 1728, one base deleted (G; older notation c.1728delG).
Protein change: p.Leu576fs; shifts the reading frame from leucine 576.
Molecular consequence: frameshift variant. On other transcripts: non-coding transcript variant (14).
Genome position (GRCh38, 1-based): chr5:7,896,915, G deleted. VCF-style (leftmost placement, unchanged base first): chr5-7896914-TG-T. GRCh37 (hg19) VCF-style: chr5-7897027-TG-T.
Other names: c.1728del, p.Leu576fs (NM_001364440.2, NM_001364441.2, NM_001364442.2 and 1 more transcripts); short protein forms L576fs.
Identifiers: ClinVar variation 1456920 (VCV001456920.6), dbSNP rs2126812977, ClinGen allele CA2573139563.